The following is an entry in ClinVar:

NM_001018116.2(CAVIN4):c.161T>G (p.Ile54Arg)

Gene: CAVIN4 (caveolae associated protein 4; plus strand). Cytogenetic location: 9q31.1.
Variant type: single nucleotide variant.
Coding change: c.161T>G on transcript NM_001018116.2 (MANE Select); coding-DNA position 161, T replaced by G.
Protein change: p.Ile54Arg; replaces isoleucine 54 with arginine.
Molecular consequence: missense variant.
Genome position (GRCh38, 1-based): chr9:100,578,304, T>G. VCF-style: chr9-100578304-T-G. GRCh37 (hg19) VCF-style: chr9-103340586-T-G.
Other names: c.161T>G, p.Ile54Arg (LRG_760t1); short protein forms I54R.
Identifiers: ClinVar variation 392856 (VCV000392856.2), dbSNP rs753524431, ClinGen allele CA16605288.

ClinVar aggregate classification (germline): Uncertain significance (1 of 4 stars; one submission).

Allele frequency attached by ClinVar (database versions not stated): TOPMed 0.00002.
gnomAD v4.1: 4 of 1,613,866 alleles (0.00025%); highest among the groups gnomAD compares: African/African-American, 0.0053%; no homozygotes.

Submission:

GeneDx
Classification: Uncertain significance. Last evaluated: 2017-01-16. Review status: criteria provided, single submitter. Criteria: GeneDx Variant Classification (06012015). Collection method: clinical testing. Allele origin: germline. Affected: yes.
Comment: A variant of uncertain significance has been identified in the MURC gene. The I54R variant has not been published as pathogenic or been reported as benign to our knowledge. It is not observed in large population cohorts (Lek et al., 2016; 1000 Genomes Consortium et al., 2015; Exome Variant Server). The I54R variant is a non-conservative amino acid substitution, which is likely to impact secondary protein structure as these residues differ in polarity, charge, size and/or other properties. Although this substitution occurs at a position where amino acids with similar properties to isoleucine (I) are tolerated across species, in silico analysis predicts this variant is probably damaging to the protein structure/function. Nonetheless, this variant lacks observation in a significant number of affected individuals, segregation data, and functional evidence, all of which would further clarify pathogenicity.